The following is an entry in ClinVar:

NM_001256789.3(CACNA1F):c.2544-3C>G

Gene: CACNA1F (calcium voltage-gated channel subunit alpha1 F; minus strand). Cytogenetic location: Xp11.23.
Variant type: single nucleotide variant.
Coding change: c.2544-3C>G on transcript NM_001256789.3 (MANE Select); 3 bases into the intron before coding-DNA position 2544, C replaced by G.
Molecular consequence: intron variant.
Genome position (GRCh38, 1-based): chrX:49,219,453, G>C on the plus strand (C>G on the coding strand, the complement: CACNA1F is on the minus strand). VCF-style: chrX-49219453-G-C. GRCh37 (hg19) VCF-style: chrX-49075912-G-C.
Other names: c.2577-3C>G (NM_005183.4); c.2382-3C>G (NM_001256790.3).
Identifiers: ClinVar variation 426259 (VCV000426259.4), dbSNP rs1085307529, ClinGen allele CA645293929.

ClinVar aggregate classification (germline): Likely pathogenic (1 of 4 stars; one submission).

Submission:

GeneDx
Classification: Likely pathogenic. Last evaluated: 2019-09-24. Review status: criteria provided, single submitter. Criteria: GeneDx Variant Classification Process June 2021. Collection method: clinical testing. Allele origin: germline. Affected: yes.
Comment: Not observed in large population cohorts (Lek et al., 2016); In silico analysis, which includes splice predictors and evolutionary conservation, supports a deleterious effect; Has not been previously published as pathogenic or benign to our knowledge